The following is an entry in ClinVar:

ClinVar aggregate classification (germline): Uncertain significance. Review status: criteria provided, multiple submitters, no conflicts (2 of 4 stars). 3 submissions from 3 submitters: Uncertain significance (3). Last evaluated 2024-05-30.

Conditions:
Inborn genetic diseases. Identifiers: MedGen C0950123, MeSH D030342.

Allele frequency attached by ClinVar (database versions not stated): ExAC 0.00001; gnomAD exomes 0.00001; ESP Exome Variant Server 0.00008; gnomAD 0.00008 and 0.00009; 1000 Genomes Project 0.00020; 1000 Genomes Project 30x 0.00031.
gnomAD v4.1: 30 of 1,614,238 alleles (0.0019%); highest among the groups gnomAD compares: African/African-American, 0.029%; no homozygotes.

Submissions (3):

Ambry Genetics
Classification: Uncertain significance for Inborn genetic diseases. Last evaluated: 2024-05-30. Review status: criteria provided, single submitter. Criteria: Ambry Variant Classification Scheme 2023. Collection method: clinical testing. Allele origin: germline.

Labcorp Genetics (formerly Invitae), Labcorp
Classification: Uncertain significance. Last evaluated: 2022-09-06. Review status: criteria provided, single submitter. Criteria: Invitae Variant Classification Sherloc (09022015). Collection method: clinical testing. Allele origin: germline.
Comment: This sequence change replaces lysine, which is basic and polar, with asparagine, which is neutral and polar, at codon 108 of the CNGA3 protein (p.Lys108Asn). This variant is present in population databases (rs368478627, gnomAD 0.02%). This variant has not been reported in the literature in individuals affected with CNGA3-related conditions. ClinVar contains an entry for this variant (Variation ID: 1484375). Advanced modeling of protein sequence and biophysical properties (such as structural, functional, and spatial information, amino acid conservation, physicochemical variation, residue mobility, and thermodynamic stability) performed at Invitae indicates that this missense variant is not expected to disrupt CNGA3 protein function. In summary, the available evidence is currently insufficient to determine the role of this variant in disease. Therefore, it has been classified as a Variant of Uncertain Significance.

Blueprint Genetics
Classification: Uncertain significance. Last evaluated: 2021-11-11. Review status: criteria provided, single submitter. Criteria: ACMG Guidelines, 2015. Collection method: clinical testing. Allele origin: germline.

NM_001298.3(CNGA3):c.324G>C (p.Lys108Asn)

Gene: CNGA3 (cyclic nucleotide gated channel subunit alpha 3; plus strand). Cytogenetic location: 2q11.2.
Variant type: single nucleotide variant.
Coding change: c.324G>C on transcript NM_001298.3 (MANE Select); coding-DNA position 324, G replaced by C.
Protein change: p.Lys108Asn; replaces lysine 108 with asparagine.
Molecular consequence: missense variant.
Genome position (GRCh38, 1-based): chr2:98,380,283, G>C. VCF-style: chr2-98380283-G-C. GRCh37 (hg19) VCF-style: chr2-98996746-G-C.
Other names: c.324G>C (NM_001298.2); c.324G>C, p.Lys108Asn (NM_001079878.2); short protein forms K108N.
Identifiers: ClinVar variation 1484375 (VCV001484375.7), dbSNP rs368478627, ClinGen allele CA1793696.
Genomic context (GRCh38, chr2:98,380,283, plus strand): 5'-GCACCACCAGGACCAGGGACCGGACTCTTTTCCTGATCGTTTCCGTGGAGCCGAGCTTAA[G>C]GAGGTGTCCAGCCAAGAAAGCAATGCCCAGGCAAATGTGGGCAGCCAGGAGCCAGCAGAC-3'
Protein context (NP_001289.1, residues 98-118): FPDRFRGAEL[Lys108Asn]EVSSQESNAQ